The following is an entry in ClinVar:

ClinVar aggregate classification (germline): Uncertain significance. Review status: criteria provided, multiple submitters, no conflicts (2 of 4 stars). 3 submissions from 3 submitters: Uncertain significance (2). 1 of the submissions does not count toward it. Last evaluated 2024-07-25.

Conditions:
Inborn genetic diseases. Identifiers: MedGen C0950123, MeSH D030342.
Familial sleep-related hypermotor epilepsy. Also called: Autosomal Dominant Sleep-Related Hypermotor (Hyperkinetic) Epilepsy. Identifiers: Orphanet 98784, MedGen C3696898, MONDO:0000030.

Allele frequency attached by ClinVar (database versions not stated): gnomAD exomes below 0.00001 and 0.00001; TOPMed below 0.00001.
gnomAD v4.1: 7 of 1,611,996 alleles (0.00043%); highest among the groups gnomAD compares: Admixed American, 0.0033%; no homozygotes.

Submissions (3):

Labcorp Genetics (formerly Invitae), Labcorp
Classification: Uncertain significance. Last evaluated: 2024-07-25. Review status: criteria provided, single submitter. Criteria: Invitae Variant Classification Sherloc (09022015). Collection method: clinical testing. Allele origin: germline.
Comment: This sequence change replaces arginine, which is basic and polar, with glutamine, which is neutral and polar, at codon 39 of the CHRNA4 protein (p.Arg39Gln). The frequency data for this variant in the population databases is considered unreliable, as metrics indicate poor data quality at this position in the gnomAD database. This variant has not been reported in the literature in individuals affected with CHRNA4-related conditions. ClinVar contains an entry for this variant (Variation ID: 1049157). Advanced modeling of protein sequence and biophysical properties (such as structural, functional, and spatial information, amino acid conservation, physicochemical variation, residue mobility, and thermodynamic stability) performed at Invitae indicates that this missense variant is not expected to disrupt CHRNA4 protein function with a negative predictive value of 80%. In summary, the available evidence is currently insufficient to determine the role of this variant in disease. Therefore, it has been classified as a Variant of Uncertain Significance.

Ambry Genetics
Classification: Uncertain significance for Inborn genetic diseases. Last evaluated: 2021-08-16. Review status: criteria provided, single submitter. Criteria: Ambry Variant Classification Scheme 2023. Collection method: clinical testing. Allele origin: germline.

Department of Pathology and Laboratory Medicine, Sinai Health System
Classification: Uncertain significance. Review status: no assertion criteria provided. Collection method: clinical testing. Allele origin: unknown. Affected: yes. Study: The Canadian Open Genetics Repository (COGR). Not counted in ClinVar's aggregate classification.
Comment: The CHRNA4 p.Arg39Gln variant was not identified in the literature nor was it identified in ClinVar or LOVD 3.0. The variant was identified in dbSNP (ID: rs1412355004) and in control databases in 1 of 249612 chromosomes at a frequency of 0.000004006 (Genome Aggregation Database March 6, 2019, v2.1.1). The variant was observed in the Latino population in 1 of 34558 chromosomes (freq: 0.000029), but was not observed in the African, Ashkenazi Jewish, East Asian, European (Finnish), European (non-Finnish), Other, or South Asian populations. The p.Arg39 residue is conserved in mammals and computational analyses (PolyPhen-2, SIFT, AlignGVGD, BLOSUM, MutationTaster) provide inconsistent predictions regarding the impact to the protein; this information is not very predictive of pathogenicity. The variant occurs outside of the splicing consensus sequence and in silico or computational prediction software programs (SpliceSiteFinder, MaxEntScan, NNSPLICE, GeneSplicer) do not predict a difference in splicing. In summary, based on the above information the clinical significance of this variant cannot be determined with certainty at this time. This variant is classified as a variant of uncertain significance.

NM_000744.7(CHRNA4):c.116G>A (p.Arg39Gln)

Gene: CHRNA4 (cholinergic receptor nicotinic alpha 4 subunit; minus strand). Cytogenetic location: 20q13.33.
Variant type: single nucleotide variant.
Coding change: c.116G>A on transcript NM_000744.7 (MANE Select); coding-DNA position 116, G replaced by A.
Protein change: p.Arg39Gln; replaces arginine 39 with glutamine.
Molecular consequence: missense variant. On other transcripts: 5 prime UTR variant (1), non-coding transcript variant (1).
Genome position (GRCh38, 1-based): chr20:63,359,660, C>T on the plus strand (G>A on the coding strand, the complement: CHRNA4 is on the minus strand). VCF-style: chr20-63359660-C-T. GRCh37 (hg19) VCF-style: chr20-61991012-C-T.
Other names: c.-431G>A (NM_001256573.2); c.116G>A (NM_000744.5); short protein forms R39Q.
Identifiers: ClinVar variation 1049157 (VCV001049157.7), dbSNP rs1412355004, ClinGen allele CA409643834.